The following is an entry in ClinVar:

ClinVar aggregate classification (germline): Uncertain significance (1 of 4 stars; one submission).

Conditions:
Dyskeratosis congenita. Identifiers: Orphanet 1775, MedGen C0265965, MONDO:0015780.

Submission:

Ambry Genetics
Classification: Uncertain significance for Dyskeratosis congenita. Last evaluated: 2025-01-21. Review status: criteria provided, single submitter. Criteria: Ambry Variant Classification Scheme 2023. Collection method: clinical testing. Allele origin: germline.
Comment: The p.K659T variant (also known as c.1976A>C), located in coding exon 5 of the TERT gene, results from an A to C substitution at nucleotide position 1976. The lysine at codon 659 is replaced by threonine, an amino acid with similar properties. This amino acid position is conserved. In addition, this alteration is predicted to be deleterious by in silico analysis. Based on the available evidence, the clinical significance of this variant remains unclear.

NM_198253.3(TERT):c.1976A>C (p.Lys659Thr)

Gene: TERT (telomerase reverse transcriptase; minus strand). Cytogenetic location: 5p15.33.
Variant type: single nucleotide variant.
Coding change: c.1976A>C on transcript NM_198253.3 (MANE Select); coding-DNA position 1976, A replaced by C.
Protein change: p.Lys659Thr; replaces lysine 659 with threonine.
Molecular consequence: missense variant. On other transcripts: non-coding transcript variant (2).
Genome position (GRCh38, 1-based): chr5:1,279,445, T>G on the plus strand (A>C on the coding strand, the complement: TERT is on the minus strand). VCF-style: chr5-1279445-T-G. GRCh37 (hg19) VCF-style: chr5-1279560-T-G.
Other names: c.1976A>C, p.Lys659Thr (NM_001193376.3); short protein forms K659T.
Identifiers: ClinVar variation 3805774 (VCV003805774.1).
Genomic context (GRCh38, chr5:1,279,445, plus strand): 5'-GAGGCGCCCAGGAGGCCGGGGCGCCGCGCCCGCTCGTAGTTGAGCACGCTGAACAGTGCC[T>G]TCACCCTCGAGGTGAGACGCTCGGCCTGGCGGGGACAGCATGGGAGACAGTCAGGAAAGT-3'
Protein context (NP_937983.2, residues 649-669): KRAERLTSRV[Lys659Thr]ALFSVLNYER